The following is an entry in ClinVar:

NC_000018.9:g.(?_12328942)_(12377227_?)dup

Gene: AFG3L2 (AFG3 like matrix AAA peptidase subunit 2; minus strand). Cytogenetic location: 18p11.21.
Variant type: Duplication.
Identifiers: ClinVar variation 3336475 (VCV003336475.1).

ClinVar aggregate classification (germline): Uncertain significance (1 of 4 stars; one submission).

Submission:

Women's Health and Genetics/Laboratory Corporation of America, LabCorp
Classification: Uncertain significance. Last evaluated: 2024-05-21. Review status: criteria provided, single submitter. Criteria: LabCorp Variant Classification Summary - May 2015. Collection method: clinical testing. Allele origin: germline.
Comment: Variant summary: The variant involves a full gene duplication including exons 1-17 in the AFG3L2 gene. A presumed nomenclature of c.(?_-146)_(*622_?)dup has been designated for the purposes of this classification. This duplication includes the entire coding sequence of the gene. As exact breakpoints are unknown, it may extend beyond the annotated region of the gene, to include other flanking genes. The variant was absent in 21694 control chromosomes (gnomAD Structural Variants Dataset). The available data on variant occurrences in the general population are insufficient to allow any conclusion about variant significance. To our knowledge, no occurrence of c.(?_-146)_(*622_?)dup in individuals affected with Spinocerebellar Ataxia Type 28 and no experimental evidence demonstrating its impact on protein function have been reported. ClinVar contains an entry for this variant (Variation ID: 2425646). Based on the evidence outlined above, the variant was classified as uncertain significance.